The following is an entry in ClinVar:

NM_005732.4(RAD50):c.380T>C (p.Val127Ala)

Gene: RAD50 (RAD50 double strand break repair protein; plus strand). Cytogenetic location: 5q31.1.
Variant type: single nucleotide variant.
Coding change: c.380T>C on transcript NM_005732.4 (MANE Select); coding-DNA position 380, T replaced by C.
Protein change: p.Val127Ala; replaces valine 127 with alanine.
Molecular consequence: missense variant.
Genome position (GRCh38, 1-based): chr5:132,579,331, T>C. VCF-style: chr5-132579331-T-C. GRCh37 (hg19) VCF-style: chr5-131915023-T-C.
Other names: short protein forms V127A.
Identifiers: ClinVar variation 824250 (VCV000824250.14), dbSNP rs1580987070, ClinGen allele CA360933371.

ClinVar aggregate classification (germline): Uncertain significance. Review status: criteria provided, multiple submitters, no conflicts (2 of 4 stars). 2 submissions from 2 submitters: Uncertain significance (2). Last evaluated 2020-01-06.

Conditions:
Hereditary cancer-predisposing syndrome. Also called: Neoplastic Syndromes, Hereditary; Tumor predisposition; Hereditary neoplastic syndrome; Hereditary Cancer Syndrome. Identifiers: Orphanet 140162, MedGen C0027672, MeSH D009386, MONDO:0015356.

Submissions (2):

Labcorp Genetics (formerly Invitae), Labcorp
Classification: Uncertain significance for Hereditary cancer-predisposing syndrome. Last evaluated: 2020-01-06. Review status: criteria provided, single submitter. Criteria: Invitae Variant Classification Sherloc (09022015). Collection method: clinical testing. Allele origin: germline.
Comment: In summary, the available evidence is currently insufficient to determine the role of this variant in disease. Therefore, it has been classified as a Variant of Uncertain Significance. Algorithms developed to predict the effect of missense changes on protein structure and function are either unavailable or do not agree on the potential impact of this missense change (SIFT: "Tolerated"; PolyPhen-2: "Possibly Damaging"; Align-GVGD: "Class C0"). This variant has not been reported in the literature in individuals with RAD50-related conditions. This variant is not present in population databases (ExAC no frequency). This sequence change replaces valine with alanine at codon 127 of the RAD50 protein (p.Val127Ala). The valine residue is moderately conserved and there is a small physicochemical difference between valine and alanine.

Ambry Genetics
Classification: Uncertain significance for Hereditary cancer-predisposing syndrome. Last evaluated: 2019-02-11. Review status: criteria provided, single submitter. Criteria: Ambry Variant Classification Scheme 2023. Collection method: clinical testing. Allele origin: germline.
Comment: The p.V127A variant (also known as c.380T>C), located in coding exon 4 of the RAD50 gene, results from a T to C substitution at nucleotide position 380. The valine at codon 127 is replaced by alanine, an amino acid with similar properties. This amino acid position is well conserved in available vertebrate species. In addition, this alteration is predicted to be tolerated by in silico analysis. Since supporting evidence is limited at this time, the clinical significance of this alteration remains unclear.